The following is an entry in ClinVar:

ClinVar aggregate classification (germline): Benign. Review status: criteria provided, single submitter (1 of 4 stars). 2 submissions from 2 submitters: Benign (1). 1 of the submissions does not count toward it. Last evaluated 2025-12-03.

Conditions:
LAMA5-related disorder. Also called: LAMA5-Related Disorders; LAMA5-related condition.

Allele frequency attached by ClinVar (database versions not stated): gnomAD exomes 0.00006; ExAC 0.00024; 1000 Genomes Project 30x 0.00031; 1000 Genomes Project 0.00040; TOPMed 0.00069; gnomAD 0.00075; ESP Exome Variant Server 0.00077.
gnomAD v4.1: 195 of 1,534,904 alleles (0.013%); highest among the groups gnomAD compares: African/African-American, 0.24%; 1 homozygote.

Submissions (2):

Labcorp Genetics (formerly Invitae), Labcorp
Classification: Benign. Last evaluated: 2025-12-03. Review status: criteria provided, single submitter. Criteria: Invitae Variant Classification Sherloc (09022015). Collection method: clinical testing. Allele origin: germline.

PreventionGenetics, part of Exact Sciences
Classification: Likely benign for LAMA5-related condition. Last evaluated: 2019-08-09. Review status: no assertion criteria provided. Collection method: clinical testing. Allele origin: germline. Not counted in ClinVar's aggregate classification.
Comment: This variant is classified as likely benign based on ACMG/AMP sequence variant interpretation guidelines (Richards et al. 2015 PMID: 25741868, with internal and published modifications).

NM_005560.6(LAMA5):c.5724C>T (p.Ala1908=)

Gene: LAMA5 (laminin subunit alpha 5; minus strand). Cytogenetic location: 20q13.33.
Variant type: single nucleotide variant.
Coding change: c.5724C>T on transcript NM_005560.6 (MANE Select); coding-DNA position 5724, C replaced by T.
Protein change: p.Ala1908=; no amino-acid change (alanine 1908 retained).
Molecular consequence: synonymous variant.
Genome position (GRCh38, 1-based): chr20:62,324,124, G>A on the plus strand (C>T on the coding strand, the complement: LAMA5 is on the minus strand). VCF-style: chr20-62324124-G-A. GRCh37 (hg19) VCF-style: chr20-60899180-G-A.
Other names: c.5724C>T (NM_005560.4).
Identifiers: ClinVar variation 2069560 (VCV002069560.6), dbSNP rs142712051, ClinGen allele CA9942075.
Genomic context (GRCh38, chr20:62,324,124, plus strand): 5'-GAGGAGGCTGGCTTACTTGTTGGAAGGCACTGAGAGGGGGCAGGGGCAGCTGACACAGGG[G>A]GCGCTGGGGTCGTCCCTGCTGCTCACGAAGCCAGCCTGGCAGCGCTCACAGTGGGCCCCT-3'
Protein context (NP_005551.3, residues 1898-1918): GFVSSRDDPS[Ala1908=]PCVSCPCPLS